The following is an entry in ClinVar:

ClinVar aggregate classification (germline): Conflicting classifications of pathogenicity. Review status: criteria provided, conflicting classifications (1 of 4 stars). 5 submissions from 5 submitters: Likely pathogenic (1); Uncertain significance (4). Last evaluated 2025-11-18.

Conditions:
Ventricular arrhythmias due to cardiac ryanodine receptor calcium release deficiency syndrome. Also called: Autosomal dominant cardiac arrhythmia (Kuhn). Identifiers: MedGen C5542154, MONDO:0020745, OMIM 115000.
Arrhythmogenic right ventricular dysplasia 2. Identifiers: MedGen C1832931.
Catecholaminergic polymorphic ventricular tachycardia 1. Also called: RYR2-Related Catecholaminergic Polymorphic Ventricular Tachycardia; VENTRICULAR TACHYCARDIA, CATECHOLAMINERGIC POLYMORPHIC, 1, WITH OR WITHOUT ATRIAL DYSFUNCTION AND/OR DILATED CARDIOMYOPATHY; VENTRICULAR TACHYCARDIA, STRESS-INDUCED POLYMORPHIC 1. Identifiers: Orphanet 3286, MedGen C1631597, MONDO:0011484, OMIM 604772.
Cardiovascular phenotype. Identifiers: MedGen CN230736.
Catecholaminergic polymorphic ventricular tachycardia (CVPT). Also called: Catecholamine-induced polymorphic ventricular tachycardia. Identifiers: Orphanet 3286, MedGen C5574922, MONDO:0017990.
RYR2-related disorder. Also called: RYR2-related condition.

Submissions (5):

Labcorp Genetics (formerly Invitae), Labcorp
Classification: Uncertain significance for Catecholaminergic polymorphic ventricular tachycardia 1. Last evaluated: 2025-11-18. Review status: criteria provided, single submitter. Criteria: Invitae Variant Classification Sherloc (09022015). Collection method: clinical testing. Allele origin: germline.
Comment: This sequence change replaces glutamine, which is neutral and polar, with arginine, which is basic and polar, at codon 3727 of the RYR2 protein (p.Gln3727Arg). This variant is not present in population databases (gnomAD no frequency). This variant has not been reported in the literature in individuals affected with RYR2-related conditions. ClinVar contains an entry for this variant (Variation ID: 870082). Invitae Evidence Modeling of protein sequence and biophysical properties (such as structural, functional, and spatial information, amino acid conservation, physicochemical variation, residue mobility, and thermodynamic stability) indicates that this missense variant is not expected to disrupt RYR2 protein function with a negative predictive value of 95%. In summary, the available evidence is currently insufficient to determine the role of this variant in disease. Therefore, it has been classified as a Variant of Uncertain Significance.

Ambry Genetics
Classification: Uncertain significance for Cardiovascular phenotype. Last evaluated: 2024-11-27. Review status: criteria provided, single submitter. Criteria: Ambry Variant Classification Scheme 2023. Collection method: clinical testing. Allele origin: germline.
Comment: The p.Q3727R variant (also known as c.11180A>G), located in coding exon 81 of the RYR2 gene, results from an A to G substitution at nucleotide position 11180. The glutamine at codon 3727 is replaced by arginine, an amino acid with highly similar properties. This amino acid position is highly conserved in available vertebrate species. In addition, this alteration is predicted to be deleterious by in silico analysis. Based on the available evidence, the clinical significance of this variant remains unclear.

Blueprint Genetics
Classification: Likely pathogenic for RYR2-related disorders. Last evaluated: 2022-04-13. Review status: criteria provided, single submitter. Criteria: ACMG Guidelines, 2015. Collection method: clinical testing. Allele origin: germline. Affected: yes. Observed: 1 variant allele.

Fulgent Genetics
Classification: Uncertain significance for Ventricular arrhythmias due to cardiac ryanodine receptor calcium release deficiency syndrome; Catecholaminergic polymorphic ventricular tachycardia 1. Last evaluated: 2021-09-09. Review status: criteria provided, single submitter. Criteria: ACMG Guidelines, 2015. Collection method: clinical testing. Allele origin: unknown.

Agnes Ginges Centre for Molecular Cardiology, Centenary Institute
Classification: Uncertain significance for Catecholaminergic polymorphic ventricular tachycardia. Last evaluated: 2018-06-07. Review status: criteria provided, single submitter. Criteria: ACMG Guidelines, 2015. Collection method: research. Allele origin: germline. Inheritance: Autosomal dominant inheritance. Affected: yes.
Comment: RYR2 Gln3727Arg has not been previously reported and is absent from the Genome Aggregation Database. In silico tools SIFT, PolyPhen2 and MutationTaster all predict it to be deleterious, furthermore the ExAC missense constraint score (Z score= 5.21) suggests that RYR2 missense variants are rare and likely to be a cause of disease. In summary, the variant is rare (PM2), mutliple in silico tools predict it to be deleterious (PP3) and RYR2 has low rate of missense variants which are likely to be a mechanism of disease (PP2), therefore we classify this as a variant of 'uncertain significance'.

NM_001035.3(RYR2):c.11180A>G (p.Gln3727Arg)

Gene: RYR2 (ryanodine receptor 2; plus strand). Cytogenetic location: 1q43.
Variant type: single nucleotide variant.
Coding change: c.11180A>G on transcript NM_001035.3 (MANE Select); coding-DNA position 11180, A replaced by G.
Protein change: p.Gln3727Arg; replaces glutamine 3727 with arginine.
Molecular consequence: missense variant.
Genome position (GRCh38, 1-based): chr1:237,756,322, A>G. VCF-style: chr1-237756322-A-G. GRCh37 (hg19) VCF-style: chr1-237919622-A-G.
Other names: short protein forms Q3727R.
Identifiers: ClinVar variation 870082 (VCV000870082.6), dbSNP rs1692948853, ClinGen allele CA345425826.